The following is an entry in ClinVar:

ClinVar aggregate classification (germline): Pathogenic. Review status: criteria provided, multiple submitters, no conflicts (2 of 4 stars). 3 submissions from 3 submitters: Pathogenic (2). 1 of the submissions does not count toward it. Last evaluated 2025-01-03.

Conditions:
MSX1-related disorder. Also called: MSX1-related condition.
Hypoplastic enamel-onycholysis-hypohidrosis syndrome (TNS). Also called: ECTODERMAL DYSPLASIA 3, WITKOP TYPE; WITKOP SYNDROME; Tooth-and-Nail Syndrome; ECTODERMAL DYSPLASIA 3, TOOTH/NAIL TYPE; NAIL DYSPLASIA WITH HYPODONTIA. Identifiers: Orphanet 2228, MedGen C0406735, MONDO:0008582, OMIM 189500.

Submissions (3):

PreventionGenetics, part of Exact Sciences
Classification: Pathogenic for MSX1-related condition. Last evaluated: 2025-01-03. Review status: criteria provided, single submitter. Criteria: ACMG Guidelines, 2015. Collection method: clinical testing. Allele origin: germline.
Comment: The MSX1 c.623C>A variant is predicted to result in premature protein termination (p.Ser208*). This variant has been reported in individuals with Witkop syndrome (reported as S202X in Jumlongras et al. 2001. PubMed ID: 11369996). This variant has not been reported in a large population database (gnomAD), indicating this variant is rare. Nonsense variants in MSX1 are expected to be pathogenic. This variant is interpreted as pathogenic.

Labcorp Genetics (formerly Invitae), Labcorp
Classification: Pathogenic for Hypoplastic enamel-onycholysis-hypohidrosis syndrome. Last evaluated: 2024-12-13. Review status: criteria provided, single submitter. Criteria: Invitae Variant Classification Sherloc (09022015). Collection method: clinical testing. Allele origin: germline.
Comment: This sequence change creates a premature translational stop signal (p.Ser208*) in the MSX1 gene. While this is not anticipated to result in nonsense mediated decay, it is expected to disrupt the last 96 amino acid(s) of the MSX1 protein. This variant is not present in population databases (gnomAD no frequency). This premature translational stop signal has been observed in individual(s) with tooth agenesis (PMID: 11369996). It has also been observed to segregate with disease in related individuals. ClinVar contains an entry for this variant (Variation ID: 14882). For these reasons, this variant has been classified as Pathogenic.

OMIM
Classification: Pathogenic for WITKOP SYNDROME. Last evaluated: 2001-07-01. Review status: no assertion criteria provided. Collection method: literature only. Allele origin: germline. Not counted in ClinVar's aggregate classification.

Literature cited by the submitters: PubMed 11369996 (cited by Labcorp Genetics (formerly Invitae), Labcorp and OMIM); PubMed 9484139 (cited by OMIM).

NM_002448.3(MSX1):c.623C>A (p.Ser208Ter)

Gene: MSX1 (msh homeobox 1; plus strand). Cytogenetic location: 4p16.2.
Variant type: single nucleotide variant.
Coding change: c.623C>A on transcript NM_002448.3 (MANE Select); coding-DNA position 623, C replaced by A.
Protein change: p.Ser208Ter; replaces serine 208 with a stop codon.
Molecular consequence: nonsense.
Genome position (GRCh38, 1-based): chr4:4,862,854, C>A. VCF-style: chr4-4862854-C-A. GRCh37 (hg19) VCF-style: chr4-4864581-C-A.
Other names: S202*; short protein forms S208*.
Identifiers: ClinVar variation 14882 (VCV000014882.7), dbSNP rs104893853, ClinGen allele CA124428.